The following is an entry in ClinVar:

NC_000006.11:g.(?_100040906)_(100057203_?)dup

Gene: PRDM13 (PR/SET domain 13; plus strand). Cytogenetic location: 6q16.2.
Variant type: Duplication.
Identifiers: ClinVar variation 2426677 (VCV002426677.4).

ClinVar aggregate classification (germline): Uncertain significance (1 of 4 stars; one submission).

Submission:

Labcorp Genetics (formerly Invitae), Labcorp
Classification: Uncertain significance. Last evaluated: 2022-03-24. Review status: criteria provided, single submitter. Criteria: Invitae Variant Classification Sherloc (09022015). Collection method: clinical testing. Allele origin: germline.
Comment: In summary, the available evidence is currently insufficient to determine the role of this variant in disease. Therefore, it has been classified as a Variant of Uncertain Significance. A similar copy number variant has been observed in individual(s) with clinical features of PRDM13-related condition (Invitae). This variant results in a copy number gain of the genomic region encompassing exon(s) 1-3 of the PRDM13 gene. This region includes the initiator codon of the gene. This copy number gain extends beyond the assayed region for this gene and therefore may encompass additional genes. As the precise location of this event is unknown, it may be in tandem or it may be located elsewhere in the genome.